The following is an entry in ClinVar:

ClinVar aggregate classification (germline): Likely pathogenic. Review status: criteria provided, single submitter (1 of 4 stars). 2 submissions from 2 submitters: Likely pathogenic (1). 1 of the submissions does not count toward it. Last evaluated 2025-04-25.

Conditions:
Inborn genetic diseases. Identifiers: MedGen C0950123, MeSH D030342.
Popliteal pterygium syndrome (PPS). Identifiers: Orphanet 294963, MedGen C0265259, MONDO:0017435.

Submissions (2):

Ambry Genetics
Classification: Likely pathogenic for Inborn genetic diseases. Last evaluated: 2025-04-25. Review status: criteria provided, single submitter. Criteria: Ambry Variant Classification Scheme 2023. Collection method: clinical testing. Allele origin: germline.
Comment: The c.1271C>T (p.S424L) alteration is located in exon 9 (coding exon 7) of the IRF6 gene. This alteration results from a C to T substitution at nucleotide position 1271, causing the serine (S) at amino acid position 424 to be replaced by a leucine (L). This variant was not reported in population-based cohorts in the Genome Aggregation Database (gnomAD). This variant was reported in individuals with features consistent with IRF6-related disorders; in at least one individual, it was determined to be de novo (Desmyter, 2010; Matsuzawa, 2010). This amino acid position is highly conserved in available vertebrate species. This alteration is predicted to be deleterious by in silico analysis. Based on the available evidence, this alteration is classified as likely pathogenic.

OMIM
Classification: Pathogenic for POPLITEAL PTERYGIUM SYNDROME. Last evaluated: 2010-09-01. Review status: no assertion criteria provided. Collection method: literature only. Allele origin: germline. Not counted in ClinVar's aggregate classification.

Literature cited by the submitters: PubMed 20803643 (cited by Ambry Genetics and OMIM); PubMed 21045959 (cited by Ambry Genetics).

NM_006147.4(IRF6):c.1271C>T (p.Ser424Leu)

Gene: IRF6 (interferon regulatory factor 6; minus strand). Cytogenetic location: 1q32.2.
Variant type: single nucleotide variant.
Coding change: c.1271C>T on transcript NM_006147.4 (MANE Select); coding-DNA position 1271, C replaced by T.
Protein change: p.Ser424Leu; replaces serine 424 with leucine.
Molecular consequence: missense variant.
Genome position (GRCh38, 1-based): chr1:209,788,553, G>A on the plus strand (C>T on the coding strand, the complement: IRF6 is on the minus strand). VCF-style: chr1-209788553-G-A. GRCh37 (hg19) VCF-style: chr1-209961898-G-A.
Other names: c.986C>T, p.Ser329Leu (NM_001206696.2); c.1271C>T (NM_006147.3); short protein forms S424L, S329L.
Identifiers: ClinVar variation 30654 (VCV000030654.2), dbSNP rs387906968, ClinGen allele CA259877.